The following is an entry in ClinVar:

NM_000179.3(MSH6):c.2930A>G (p.Tyr977Cys)

Gene: MSH6 (mutS homolog 6; plus strand). Cytogenetic location: 2p16.3.
Variant type: single nucleotide variant.
Coding change: c.2930A>G on transcript NM_000179.3 (MANE Select); coding-DNA position 2930, A replaced by G.
Protein change: p.Tyr977Cys; replaces tyrosine 977 with cysteine.
Molecular consequence: missense variant. On other transcripts: non-coding transcript variant (5), intron variant (2).
Genome position (GRCh38, 1-based): chr2:47,800,913, A>G. VCF-style: chr2-47800913-A-G. GRCh37 (hg19) VCF-style: chr2-48028052-A-G.
Other names: c.2540A>G, p.Tyr847Cys (NM_001281492.2); c.2024A>G, p.Tyr675Cys (NM_001281493.2, NM_001281494.2, NM_001406823.1 and 6 more transcripts); c.3026A>G, p.Tyr1009Cys (NM_001406795.1, NM_001406802.1); c.2930A>G, p.Tyr977Cys (NM_001406796.1, NM_001406798.1, NM_001406800.1 and 2 more transcripts); c.2633A>G, p.Tyr878Cys (NM_001406797.1, NM_001406820.1, NM_001406821.1 and 10 more transcripts); c.2762A>G, p.Tyr921Cys (NM_001406826.1); c.2405A>G, p.Tyr802Cys (NM_001406799.1, NM_001406806.1, NM_001406807.1); c.2852A>G, p.Tyr951Cys (NM_001406804.1); and 4 more; short protein forms Y675C, Y951C, Y1009C, Y292C, Y802C, Y979C, Y847C, Y921C.
Identifiers: ClinVar variation 4111192 (VCV004111192.1).

ClinVar aggregate classification (germline): Uncertain significance (1 of 4 stars; one submission).

Conditions:
Hereditary cancer-predisposing syndrome. Also called: Tumor predisposition; Neoplastic Syndromes, Hereditary; Hereditary neoplastic syndrome; Hereditary Cancer Syndrome. Identifiers: Orphanet 140162, MedGen C0027672, MeSH D009386, MONDO:0015356.

Submission:

Ambry Genetics
Classification: Uncertain significance for Hereditary cancer-predisposing syndrome. Last evaluated: 2025-06-16. Review status: criteria provided, single submitter. Criteria: Ambry Variant Classification Scheme 2023. Collection method: clinical testing. Allele origin: germline.
Comment: The p.Y977C variant (also known as c.2930A>G), located in coding exon 4 of the MSH6 gene, results from an A to G substitution at nucleotide position 2930. The tyrosine at codon 977 is replaced by cysteine, an amino acid with highly dissimilar properties. This amino acid position is conserved. In addition, this alteration is predicted to be deleterious by in silico analysis. Based on the available evidence, the clinical significance of this variant remains unclear.